The following is an entry in ClinVar:

NM_017950.4(CCDC40):c.489C>T (p.His163=)

Gene: CCDC40 (coiled-coil domain 40 molecular ruler complex subunit; plus strand). Cytogenetic location: 17q25.3.
Variant type: single nucleotide variant.
Coding change: c.489C>T on transcript NM_017950.4 (MANE Select); coding-DNA position 489, C replaced by T.
Protein change: p.His163=; no amino-acid change (histidine 163 retained).
Molecular consequence: synonymous variant.
Genome position (GRCh38, 1-based): chr17:80,040,207, C>T. VCF-style: chr17-80040207-C-T. GRCh37 (hg19) VCF-style: chr17-78014006-C-T.
Other names: c.489C>T, p.His163= (NM_001243342.2, NM_001330508.2).
Identifiers: ClinVar variation 1743905 (VCV001743905.10), dbSNP rs372917306, ClinGen allele CA8813451.

ClinVar aggregate classification (germline): Likely benign. Review status: criteria provided, multiple submitters, no conflicts (2 of 4 stars). 4 submissions from 4 submitters: Likely benign (3). 1 of the submissions does not count toward it. Last evaluated 2025-07-14.

Conditions:
Primary ciliary dyskinesia. Also called: Ciliary dyskinesia. Identifiers: Orphanet 244, MedGen C0008780, MONDO:0016575, HP:0012265.
CCDC40-related disorder. Also called: CCDC40-related condition.

Allele frequency attached by ClinVar (database versions not stated): ExAC 0.00001; gnomAD 0.00006; gnomAD exomes 0.00007; TOPMed 0.00007; ESP Exome Variant Server 0.00008.
gnomAD v4.1: 116 of 1,613,852 alleles (0.0072%); highest among the groups gnomAD compares: African/African-American, 0.013%; no homozygotes.

Submissions (4):

Labcorp Genetics (formerly Invitae), Labcorp
Classification: Likely benign for Primary ciliary dyskinesia. Last evaluated: 2025-07-14. Review status: criteria provided, single submitter. Criteria: Invitae Variant Classification Sherloc (09022015). Collection method: clinical testing. Allele origin: germline.

Blueprint Genetics
Classification: Likely benign. Last evaluated: 2024-09-10. Review status: criteria provided, single submitter. Criteria: ACMG Guidelines, 2015. Collection method: clinical testing. Allele origin: germline.

Ambry Genetics
Classification: Likely benign for Primary ciliary dyskinesia. Last evaluated: 2022-05-06. Review status: criteria provided, single submitter. Criteria: Ambry Variant Classification Scheme 2023. Collection method: clinical testing. Allele origin: germline.

PreventionGenetics, part of Exact Sciences
Classification: Likely benign for CCDC40-related condition. Last evaluated: 2019-06-17. Review status: no assertion criteria provided. Collection method: clinical testing. Allele origin: germline. Not counted in ClinVar's aggregate classification.
Comment: This variant is classified as likely benign based on ACMG/AMP sequence variant interpretation guidelines (Richards et al. 2015 PMID: 25741868, with internal and published modifications).